The following is an entry in ClinVar:

ClinVar aggregate classification (germline): Uncertain significance (1 of 4 stars; one submission).

Submission:

Labcorp Genetics (formerly Invitae), Labcorp
Classification: Uncertain significance. Last evaluated: 2023-08-04. Review status: criteria provided, single submitter. Criteria: Invitae Variant Classification Sherloc (09022015). Collection method: clinical testing. Allele origin: germline.
Comment: In summary, the available evidence is currently insufficient to determine the role of this variant in disease. Therefore, it has been classified as a Variant of Uncertain Significance. This variant has not been reported in the literature in individuals affected with CDK13-related conditions. This variant results in a copy number gain of the genomic region encompassing exon(s) 8-14 of the CDK13 gene. This region includes the termination codon of the gene. This copy number gain extends beyond the assayed region for this gene and therefore may encompass additional genes. As the precise location of this event is unknown, it may be in tandem or it may be located elsewhere in the genome.

NC_000007.13:g.(?_40102405)_(40134579_?)dup

Gene: CDK13 (cyclin dependent kinase 13; plus strand). Cytogenetic location: 7p14.1.
Variant type: Duplication.
Identifiers: ClinVar variation 2424744 (VCV002424744.4).